The following is an entry in ClinVar:

ClinVar aggregate classification (germline): Conflicting classifications of pathogenicity. Review status: criteria provided, conflicting classifications (1 of 4 stars). 2 submissions from 2 submitters: Pathogenic (1); Uncertain significance (1). Last evaluated 2025-06-16.

Conditions:
Hereditary cancer-predisposing syndrome. Also called: Neoplastic Syndromes, Hereditary; Hereditary Cancer Syndrome; Tumor predisposition; Hereditary neoplastic syndrome. Identifiers: Orphanet 140162, MedGen C0027672, MeSH D009386, MONDO:0015356.

Submissions (2):

Ambry Genetics
Classification: Uncertain significance for Hereditary cancer-predisposing syndrome. Last evaluated: 2025-06-16. Review status: criteria provided, single submitter. Criteria: Ambry Variant Classification Scheme 2023. Collection method: clinical testing. Allele origin: germline.
Comment: The p.Q911* variant (also known as c.2731C>T), located in coding exon 24 of the POLE gene, results from a C to T substitution at nucleotide position 2731. This changes the amino acid from a glutamine to a stop codon within coding exon 24. This alteration is expected to result in loss of function by premature protein truncation or nonsense-mediated mRNA decay. Loss-of-function variants subject to nonsense mediated decay (NMD) in POLE are known to cause POLE deficiency; however, such associations with POLE-related polymerase proofreading-associated polyposis (PPAP) have not been reported. Based on the supporting evidence, this alteration is pathogenic for POLE deficiency; however, the association of this alteration with POLE-related PPAP is unknown.

Labcorp Genetics (formerly Invitae), Labcorp
Classification: Pathogenic. Last evaluated: 2023-11-13. Review status: criteria provided, single submitter. Criteria: Invitae Variant Classification Sherloc (09022015). Collection method: clinical testing. Allele origin: germline.
Comment: This sequence change creates a premature translational stop signal (p.Gln911*) in the POLE gene. It is expected to result in an absent or disrupted protein product. Loss-of-function variants in POLE are known to be pathogenic (PMID: 23230001, 25948378, 30503519). This variant is not present in population databases (gnomAD no frequency). This variant has not been reported in the literature in individuals affected with POLE-related conditions. ClinVar contains an entry for this variant (Variation ID: 1476760). For these reasons, this variant has been classified as Pathogenic.

Literature cited by the submitters: PubMed 23230001 (cited by Labcorp Genetics (formerly Invitae), Labcorp); PubMed 25948378 (cited by Labcorp Genetics (formerly Invitae), Labcorp); PubMed 30503519 (cited by Labcorp Genetics (formerly Invitae), Labcorp).

NM_006231.4(POLE):c.2731C>T (p.Gln911Ter)

Gene: POLE (DNA polymerase epsilon, catalytic subunit; minus strand). Cytogenetic location: 12q24.33.
Variant type: single nucleotide variant.
Coding change: c.2731C>T on transcript NM_006231.4 (MANE Select); coding-DNA position 2731, C replaced by T.
Protein change: p.Gln911Ter; replaces glutamine 911 with a stop codon.
Molecular consequence: nonsense.
Genome position (GRCh38, 1-based): chr12:132,661,660, G>A on the plus strand (C>T on the coding strand, the complement: POLE is on the minus strand). VCF-style: chr12-132661660-G-A. GRCh37 (hg19) VCF-style: chr12-133238246-G-A.
Other names: c.2731C>T (NM_006231.2); short protein forms Q911*.
Identifiers: ClinVar variation 1476760 (VCV001476760.9), dbSNP rs2135949491, ClinGen allele CA387393990.
Genomic context (GRCh38, chr12:132,661,660, plus strand): 5'-AAAAGATGCTGTTCTCTGAGCGGGTGACGTAGGTGAGTGAGGACGGCTCAGCCAGCTCCT[G>A]GTACTGGTCATTGGTGAAGCCTTCCTGAGAAACAAGAGTGAAGAGGGGGCAGCTTCACTC-3'